The following is an entry in ClinVar:

ClinVar aggregate classification (germline): Uncertain significance (1 of 4 stars; one submission).

Conditions:
Deficiency of isobutyryl-CoA dehydrogenase. Also called: ACAD8 DEFICIENCY; IBD DEFICIENCY; ACYL-CoA DEHYDROGENASE FAMILY, MEMBER 8, DEFICIENCY OF. Identifiers: Orphanet 79159, MedGen C1969809, MONDO:0012648, OMIM 611283.

Allele frequency attached by ClinVar (database versions not stated): TOPMed 0.00002.
gnomAD v4.1: 2 of 1,614,166 alleles (0.00012%); highest among the groups gnomAD compares: Non-Finnish European, 0.000085%; no homozygotes.

Submission:

Labcorp Genetics (formerly Invitae), Labcorp
Classification: Uncertain significance for Deficiency of isobutyryl-CoA dehydrogenase. Last evaluated: 2025-02-03. Review status: criteria provided, single submitter. Criteria: Invitae Variant Classification Sherloc (09022015). Collection method: clinical testing. Allele origin: germline.
Comment: This sequence change replaces isoleucine, which is neutral and non-polar, with methionine, which is neutral and non-polar, at codon 125 of the ACAD8 protein (p.Ile125Met). This variant is present in population databases (no rsID available, gnomAD 0.0009%). This missense change has been observed in individual(s) with clinical features of ACAD8-related conditions (internal data). ClinVar contains an entry for this variant (Variation ID: 2917265). Invitae Evidence Modeling of protein sequence and biophysical properties (such as structural, functional, and spatial information, amino acid conservation, physicochemical variation, residue mobility, and thermodynamic stability) has been performed for this missense variant. However, the output from this modeling did not meet the statistical confidence thresholds required to predict the impact of this variant on ACAD8 protein function. In summary, the available evidence is currently insufficient to determine the role of this variant in disease. Therefore, it has been classified as a Variant of Uncertain Significance.

NM_014384.3(ACAD8):c.375C>G (p.Ile125Met)

Gene: ACAD8 (acyl-CoA dehydrogenase family member 8; plus strand). Cytogenetic location: 11q25.
Variant type: single nucleotide variant.
Coding change: c.375C>G on transcript NM_014384.3 (MANE Select); coding-DNA position 375, C replaced by G.
Protein change: p.Ile125Met; replaces isoleucine 125 with methionine.
Molecular consequence: missense variant.
Genome position (GRCh38, 1-based): chr11:134,257,252, C>G. VCF-style: chr11-134257252-C-G. GRCh37 (hg19) VCF-style: chr11-134127146-C-G.
Other names: short protein forms I125M.
Identifiers: ClinVar variation 2917265 (VCV002917265.3), dbSNP rs778171160, ClinGen allele CA383513736.